The following is an entry in ClinVar:

NM_024675.4(PALB2):c.1778A>G (p.His593Arg)

Gene: PALB2 (partner and localizer of BRCA2; minus strand). Cytogenetic location: 16p12.2.
Variant type: single nucleotide variant.
Coding change: c.1778A>G on transcript NM_024675.4 (MANE Select); coding-DNA position 1778, A replaced by G.
Protein change: p.His593Arg; replaces histidine 593 with arginine.
Molecular consequence: missense variant.
Genome position (GRCh38, 1-based): chr16:23,630,376, T>C on the plus strand (A>G on the coding strand, the complement: PALB2 is on the minus strand). VCF-style: chr16-23630376-T-C. GRCh37 (hg19) VCF-style: chr16-23641697-T-C.
Other names: short protein forms H593R.
Identifiers: ClinVar variation 439231 (VCV000439231.23), dbSNP rs1555460654, ClinGen allele CA395128155.

ClinVar aggregate classification (germline): Uncertain significance. Review status: criteria provided, multiple submitters, no conflicts (2 of 4 stars). 5 submissions from 5 submitters: Uncertain significance (4). 1 of the submissions does not count toward it. Last evaluated 2026-02-03.

Conditions:
Hereditary cancer-predisposing syndrome. Also called: Hereditary neoplastic syndrome; Hereditary Cancer Syndrome; Tumor predisposition; Neoplastic Syndromes, Hereditary. Identifiers: Orphanet 140162, MedGen C0027672, MeSH D009386, MONDO:0015356.
Familial cancer of breast. Also called: hereditary breast carcinoma; Hereditary breast cancer; BREAST CANCER, FAMILIAL. Identifiers: Orphanet 227535, MedGen C0346153, MONDO:0016419, OMIM 114480. Disease mechanism: loss of function.

Allele frequency attached by ClinVar (database versions not stated): gnomAD exomes 0.00001.
gnomAD v4.1: 3 of 1,614,018 alleles (0.00019%); highest among the groups gnomAD compares: East Asian, 0.0067%; no homozygotes.

Submissions (5):

Labcorp Genetics (formerly Invitae), Labcorp
Classification: Uncertain significance for Familial cancer of breast. Last evaluated: 2026-02-03. Review status: criteria provided, single submitter. Criteria: Invitae Variant Classification Sherloc (09022015). Collection method: clinical testing. Allele origin: germline.
Comment: This sequence change replaces histidine, which is basic and polar, with arginine, which is basic and polar, at codon 593 of the PALB2 protein (p.His593Arg). This variant is not present in population databases (gnomAD no frequency). This missense change has been observed in individual(s) with breast cancer (PMID: 30287823, 35218119). ClinVar contains an entry for this variant (Variation ID: 439231). Invitae Evidence Modeling of protein sequence and biophysical properties (such as structural, functional, and spatial information, amino acid conservation, physicochemical variation, residue mobility, and thermodynamic stability) indicates that this missense variant is not expected to disrupt PALB2 protein function with a negative predictive value of 80%. In summary, the available evidence is currently insufficient to determine the role of this variant in disease. Therefore, it has been classified as a Variant of Uncertain Significance.

Ambry Genetics
Classification: Uncertain significance for Hereditary cancer-predisposing syndrome. Last evaluated: 2025-06-15. Review status: criteria provided, single submitter. Criteria: Ambry Variant Classification Scheme 2023. Collection method: clinical testing. Allele origin: germline.
Comment: The p.H593R variant (also known as c.1778A>G), located in coding exon 5 of the PALB2 gene, results from an A to G substitution at nucleotide position 1778. The histidine at codon 593 is replaced by arginine, an amino acid with highly similar properties. This alteration was observed with an allele frequency of 0.00043 in 7,051 unselected female breast cancer patients and was observed with an allele frequency of 0.00089 in 11,241 female controls of Japanese ancestry. In addition, it was not observed in unselected male breast cancer patients and was observed with an allele frequency of 0.0002 in 12490 male controls of Japanese ancestry (Momozawa Y et al. Nat Commun, 2018 10;9:4083). This amino acid position is not well conserved in available vertebrate species. In addition, this alteration is predicted to be tolerated by in silico analysis. Since supporting evidence is limited at this time, the clinical significance of this alteration remains unclear.

Quest Diagnostics Nichols Institute San Juan Capistrano
Classification: Uncertain significance. Last evaluated: 2022-10-18. Review status: criteria provided, single submitter. Criteria: Quest Diagnostics criteria. Collection method: clinical testing. Allele origin: unknown.
Comment: It has not been reported in large, multi-ethnic general populations. In the published literature, the variant has been reported in individuals with breast cancer as well as in unaffected individuals (PMID: 30287823 (2018)). Analysis of this variant using bioinformatics tools for the prediction of the effect of amino acid changes on protein structure and function yielded predictions that this variant is benign. Based on the available information, we are unable to determine the clinical significance of this variant.

Color Diagnostics, LLC DBA Color Health
Classification: Uncertain significance for Hereditary cancer-predisposing syndrome. Last evaluated: 2021-06-21. Review status: criteria provided, single submitter. Criteria: ACMG Guidelines, 2015. Collection method: clinical testing. Allele origin: germline.
Comment: This missense variant replaces histidine with arginine at codon 593 of the PALB2 protein. Computational prediction suggests that this variant may not impact protein structure and function (internally defined REVEL score threshold <= 0.5, PMID: 27666373). To our knowledge, functional studies have not been reported for this variant. This variant has been reported in a breast cancer case-control study in 3/7051 female cases and in 10/11241 unaffected females with OR=0.3984 (95% CI 0.1-1.5) and absent in male cases and in 3/12490 unaffected males (PMID: 30287823). This variant also has been reported in 5/7636 prostate cancer cases and 3/12366 unaffected individuals and in 0/1005 pancreatic cancer cases and 13/23705 unaffected individuals (PMID: 31214711, 32980694). This variant has not been identified in the general population by the Genome Aggregation Database (gnomAD). Although there is a suspicion that this variant may not be associated with disease, additional studies are necessary to determine the role of this variant in disease conclusively. Therefore, this variant is classified as a Variant of Uncertain Significance.

Leiden Open Variation Database
Classification: Uncertain significance. Last evaluated: 2018-10-10. Review status: no assertion criteria provided. Collection method: curation. Allele origin: germline. Affected: yes. Not counted in ClinVar's aggregate classification.
Comment: Curators: Marc Tischkowitz, Arleen D. Auerbach. Submitter to LOVD: Yukihide Momozawa.

Literature cited by the submitters: PubMed 30287823 (cited by 4 submitters); PubMed 35218119 (cited by Labcorp Genetics (formerly Invitae), Labcorp).